The following is an entry in ClinVar:

NM_000548.5(TSC2):c.914del (p.Gly305fs)

Gene: TSC2 (TSC complex subunit 2; plus strand). Cytogenetic location: 16p13.3.
Variant type: Deletion.
Coding change: c.914del on transcript NM_000548.5 (MANE Select); coding-DNA position 914, one base deleted (G; older notation c.914delG).
Protein change: p.Gly305fs; shifts the reading frame from glycine 305.
Molecular consequence: frameshift variant.
Genome position (GRCh38, 1-based): chr16:2,058,812, G deleted; the last of 4 consecutive G bases (chr16:2,058,809-2,058,812); deleting any one gives the same sequence. VCF-style (leftmost placement, unchanged base first): chr16-2058808-TG-T. GRCh37 (hg19) VCF-style: chr16-2108809-TG-T.
Other names: c.914del, p.Gly305fs (NM_001077183.3, NM_001114382.3, NM_001363528.2 and 3 more transcripts); c.803del, p.Gly268fs (NM_001318827.2); c.767del, p.Gly256fs (NM_001318829.2); c.314del, p.Gly105fs (NM_001318831.2); c.947del, p.Gly316fs (NM_001318832.2); short protein forms G105fs, G256fs, G268fs, G305fs, G316fs.
Identifiers: ClinVar variation 860447 (VCV000860447.7), dbSNP rs2086233936, ClinGen allele CA916081778.

ClinVar aggregate classification (germline): Pathogenic (1 of 4 stars; one submission).

Conditions:
Tuberous sclerosis 2 (TSC2). Identifiers: Orphanet 805, MedGen C1860707, MONDO:0013199, OMIM 613254.

Submission:

Labcorp Genetics (formerly Invitae), Labcorp
Classification: Pathogenic for Tuberous sclerosis 2. Last evaluated: 2019-04-17. Review status: criteria provided, single submitter. Criteria: Invitae Variant Classification Sherloc (09022015). Collection method: clinical testing. Allele origin: germline.
Comment: This sequence change creates a premature translational stop signal (p.Gly305Glufs*58) in the TSC2 gene. It is expected to result in an absent or disrupted protein product. For these reasons, this variant has been classified as Pathogenic. Loss-of-function variants in TSC2 are known to be pathogenic (PMID: 10205261, 17304050). This variant has not been reported in the literature in individuals with TSC2-related conditions. This variant is not present in population databases (ExAC no frequency).

Literature cited by the submitters: PubMed 10205261; PubMed 17304050.